The following is an entry in ClinVar:

ClinVar aggregate classification (germline): Uncertain significance. Review status: criteria provided, multiple submitters, no conflicts (2 of 4 stars). 2 submissions from 2 submitters: Uncertain significance (2). Last evaluated 2022-09-01.

Conditions:
Inborn genetic diseases. Identifiers: MedGen C0950123, MeSH D030342.
Medium-chain acyl-coenzyme A dehydrogenase deficiency (ACADMD). Also called: ACADM DEFICIENCY; CARNITINE DEFICIENCY SECONDARY TO MEDIUM-CHAIN ACYL-CoA DEHYDROGENASE DEFICIENCY; Medium chain acyl-CoA dehydrogenase deficiency; MCADH DEFICIENCY; MCADD; MCAD Deficiency. Identifiers: Orphanet 42, MedGen C0220710, MONDO:0008721, OMIM 201450.

Allele frequency attached by ClinVar (database versions not stated): ExAC 0.00001; gnomAD 0.00003; gnomAD exomes 0.00006.
gnomAD v4.1: 95 of 1,613,964 alleles (0.0059%); highest among the groups gnomAD compares: Non-Finnish European, 0.0078%; no homozygotes.

Submissions (2):

Labcorp Genetics (formerly Invitae), Labcorp
Classification: Uncertain significance for Medium-chain acyl-coenzyme A dehydrogenase deficiency. Last evaluated: 2022-09-01. Review status: criteria provided, single submitter. Criteria: Invitae Variant Classification Sherloc (09022015). Collection method: clinical testing. Allele origin: germline.
Comment: This sequence change replaces lysine, which is basic and polar, with glutamic acid, which is acidic and polar, at codon 259 of the ACADM protein (p.Lys259Glu). This variant is present in population databases (rs570815181, gnomAD 0.005%). This variant has not been reported in the literature in individuals affected with ACADM-related conditions. Advanced modeling of protein sequence and biophysical properties (such as structural, functional, and spatial information, amino acid conservation, physicochemical variation, residue mobility, and thermodynamic stability) performed at Invitae indicates that this missense variant is expected to disrupt ACADM protein function. In summary, the available evidence is currently insufficient to determine the role of this variant in disease. Therefore, it has been classified as a Variant of Uncertain Significance.

Ambry Genetics
Classification: Uncertain significance for Inborn genetic diseases. Last evaluated: 2022-05-26. Review status: criteria provided, single submitter. Criteria: Ambry Variant Classification Scheme 2023. Collection method: clinical testing. Allele origin: germline.

NM_000016.6(ACADM):c.775A>G (p.Lys259Glu)

Gene: ACADM (acyl-CoA dehydrogenase medium chain; plus strand). Cytogenetic location: 1p31.1.
Variant type: single nucleotide variant.
Coding change: c.775A>G on transcript NM_000016.6 (MANE Select); coding-DNA position 775, A replaced by G.
Protein change: p.Lys259Glu; replaces lysine 259 with glutamic acid.
Molecular consequence: missense variant.
Genome position (GRCh38, 1-based): chr1:75,749,485, A>G. VCF-style: chr1-75749485-A-G. GRCh37 (hg19) VCF-style: chr1-76215170-A-G.
Other names: c.787A>G, p.Lys263Glu (NM_001127328.3); c.667A>G, p.Lys223Glu (NM_001286042.2); c.874A>G, p.Lys292Glu (NM_001286043.2); c.208A>G, p.Lys70Glu (NM_001286044.2); c.775A>G (NM_000016.4); short protein forms K223E, K259E, K263E, K292E, K70E.
Identifiers: ClinVar variation 2162891 (VCV002162891.2), dbSNP rs570815181, ClinGen allele CA913203.